The following is an entry in ClinVar:

NM_024312.5(GNPTAB):c.1699_1700insAGAGACAG (p.Ser567fs)

Gene: GNPTAB (N-acetylglucosamine-1-phosphate transferase subunits alpha and beta; minus strand). Cytogenetic location: 12q23.2.
Variant type: Insertion.
Coding change: c.1699_1700insAGAGACAG on transcript NM_024312.5 (MANE Select); coding-DNA positions 1699 to 1700, AGAGACAG inserted.
Protein change: p.Ser567fs; shifts the reading frame from serine 567.
Molecular consequence: frameshift variant.
Genome position: GRCh38 VCF-style: chr12-101765217-C-CCTGTCTCT. GRCh37 (hg19) VCF-style: chr12-102158995-C-CCTGTCTCT.
Other names: short protein forms S567fs.
Identifiers: ClinVar variation 1725097 (VCV001725097.3), dbSNP rs2547957986, ClinGen allele CA2580085696.

ClinVar aggregate classification (germline): Likely pathogenic (1 of 4 stars; one submission).

Conditions:
GNPTAB-mucolipidosis. Also called: UDP-N-acetylglucosamine-1-phosphotransferase subunit alpha/beta deficiency. Identifiers: MedGen CN322573, MONDO:0100122.

Submission:

Myriad Genetics, Inc.
Classification: Likely pathogenic for GNPTAB-mucolipidosis. Last evaluated: 2022-03-08. Review status: criteria provided, single submitter. Criteria: Myriad Autosomal Dominant, Autosomal Recessive and X-Linked Classification Criteria (2023). Collection method: clinical testing. Allele origin: unknown.
Comment: NM_024312.4(GNPTAB):c.1699_1700ins8(S567Kfs*8) is expected to be pathogenic in the context of GNPTAB-related disorders. This variant is predicted to lead to an abnormal or absent protein product due to the creation of a premature termination codon in GNPTAB, a gene where loss-of-function variants are known to be pathogenic. Please note: this variant was assessed in the context of healthy population screening.